The following is an entry in ClinVar:

ClinVar aggregate classification (germline): Uncertain significance (1 of 4 stars; one submission).

Submission:

GeneDx
Classification: Uncertain significance. Last evaluated: 2023-06-15. Review status: criteria provided, single submitter. Criteria: GeneDx Variant Classification Process June 2021. Collection method: clinical testing. Allele origin: germline. Affected: yes.
Comment: Not observed at significant frequency in large population cohorts (gnomAD); In silico analysis supports that this missense variant has a deleterious effect on protein structure/function; Has not been previously published as pathogenic or benign to our knowledge

NM_031407.7(HUWE1):c.3977T>C (p.Met1326Thr)

Gene: HUWE1 (HECT, UBA and WWE domain containing E3 ubiquitin protein ligase 1; minus strand). Cytogenetic location: Xp11.22.
Variant type: single nucleotide variant.
Coding change: c.3977T>C on transcript NM_031407.7 (MANE Select); coding-DNA position 3977, T replaced by C.
Protein change: p.Met1326Thr; replaces methionine 1326 with threonine.
Molecular consequence: missense variant.
Genome position (GRCh38, 1-based): chrX:53,591,118, A>G on the plus strand (T>C on the coding strand, the complement: HUWE1 is on the minus strand). VCF-style: chrX-53591118-A-G. GRCh37 (hg19) VCF-style: chrX-53618078-A-G.
Other names: short protein forms M1326T.
Identifiers: ClinVar variation 3359895 (VCV003359895.1).
Genomic context (GRCh38, chrX:53,591,118, plus strand): 5'-TCCATGGTGCTGGTGTTCAACAGTGCCTCCATTGCATGTTCCCTTGTGAAGCCCATGTCC[A>G]TGAGCTACATAAAGAATGCAAGGGCTCAGAATCACATAACGGAAATCCAAATACATTTTT-3'
Protein context (NP_113584.3, residues 1316-1336): QVNQQQLQQL[Met1326Thr]DMGFTREHAM